The following is an entry in ClinVar:

NM_138420.4(AHNAK2):c.4547T>C (p.Val1516Ala)

Gene: AHNAK2 (AHNAK nucleoprotein 2; minus strand). Cytogenetic location: 14q32.33.
Variant type: single nucleotide variant.
Coding change: c.4547T>C on transcript NM_138420.4 (MANE Select); coding-DNA position 4547, T replaced by C.
Protein change: p.Val1516Ala; replaces valine 1516 with alanine.
Molecular consequence: missense variant.
Genome position (GRCh38, 1-based): chr14:104,950,904, A>G on the plus strand (T>C on the coding strand, the complement: AHNAK2 is on the minus strand). VCF-style: chr14-104950904-A-G. GRCh37 (hg19) VCF-style: chr14-105417241-A-G.
Other names: c.4247T>C, p.Val1416Ala (NM_001350929.2); short protein forms V1416A, V1516A.
Identifiers: ClinVar variation 2644825 (VCV002644825.24), dbSNP rs201127992, ClinGen allele CA7382386.

ClinVar aggregate classification (germline): Likely benign (1 of 4 stars; one submission).

Allele frequency attached by ClinVar (database versions not stated): 1000 Genomes Project 0.00319; ExAC 0.00458; 1000 Genomes Project 30x 0.00468; gnomAD 0.00575; ESP Exome Variant Server 0.00609.

Submission:

CeGaT Center for Human Genetics Tuebingen
Classification: Likely benign. Last evaluated: 2025-12-01. Review status: criteria provided, single submitter. Criteria: CeGaT Center For Human Genetics Tuebingen Variant Classification Criteria Version 2. Collection method: clinical testing. Allele origin: germline. Affected: yes. Observed: 10 variant alleles.
Comment: AHNAK2: BP4